The following is an entry in ClinVar:

NM_032578.4(MYPN):c.119A>T (p.Asn40Ile)

Gene: MYPN (myopalladin; plus strand). Cytogenetic location: 10q21.3.
Variant type: single nucleotide variant.
Coding change: c.119A>T on transcript NM_032578.4 (MANE Select); coding-DNA position 119, A replaced by T.
Protein change: p.Asn40Ile; replaces asparagine 40 with isoleucine.
Molecular consequence: missense variant. On other transcripts: 5 prime UTR variant (1), non-coding transcript variant (1).
Genome position (GRCh38, 1-based): chr10:68,121,557, A>T. VCF-style: chr10-68121557-A-T. GRCh37 (hg19) VCF-style: chr10-69881314-A-T.
Other names: c.119A>T, p.Asn40Ile (NM_001256267.2); c.-1004A>T (NM_001256268.2); short protein forms N40I.
Identifiers: ClinVar variation 1055948 (VCV001055948.11), dbSNP rs2133993599, ClinGen allele CA377103646.
Genomic context (GRCh38, chr10:68,121,557, plus strand): 5'-ATTTAGCTGAAACCAGACATCGGGGAAACAATGAGAGGAGTCGAGCGGAGCCCTCCTCCA[A>T]CCCTTGCCATTTCGGCAGTCCTTCTGGGGCCGCTGAAGGAGGCGGAGGCCAAGATGACCT-3'
Protein context (NP_115967.2, residues 30-50): NERSRAEPSS[Asn40Ile]PCHFGSPSGA

ClinVar aggregate classification (germline): Uncertain significance. Review status: criteria provided, multiple submitters, no conflicts (2 of 4 stars). 2 submissions from 2 submitters: Uncertain significance (2). Last evaluated 2026-01-22.

Conditions:
Cardiovascular phenotype. Identifiers: MedGen CN230736.
Dilated cardiomyopathy 1KK (CMD1KK). Identifiers: Orphanet 154, Orphanet 75249, MedGen C3714995, MONDO:0014100, OMIM 615248.

Submissions (2):

Labcorp Genetics (formerly Invitae), Labcorp
Classification: Uncertain significance for Dilated cardiomyopathy 1KK. Last evaluated: 2026-01-22. Review status: criteria provided, single submitter. Criteria: Invitae Variant Classification Sherloc (09022015). Collection method: clinical testing. Allele origin: germline.
Comment: This sequence change replaces asparagine, which is neutral and polar, with isoleucine, which is neutral and non-polar, at codon 40 of the MYPN protein (p.Asn40Ile). This variant is not present in population databases (gnomAD no frequency). This variant has not been reported in the literature in individuals affected with MYPN-related conditions. ClinVar contains an entry for this variant (Variation ID: 1055948). An algorithm developed to predict the effect of missense changes on protein structure and function (PolyPhen-2) suggests that this variant is likely to be tolerated. In summary, the available evidence is currently insufficient to determine the role of this variant in disease. Therefore, it has been classified as a Variant of Uncertain Significance.

Ambry Genetics
Classification: Uncertain significance for Cardiovascular phenotype. Last evaluated: 2021-08-10. Review status: criteria provided, single submitter. Criteria: Ambry Variant Classification Scheme 2023. Collection method: clinical testing. Allele origin: germline.
Comment: The p.N40I variant (also known as c.119A>T), located in coding exon 1 of the MYPN gene, results from an A to T substitution at nucleotide position 119. The asparagine at codon 40 is replaced by isoleucine, an amino acid with dissimilar properties. This amino acid position is conserved. In addition, this alteration is predicted to be tolerated by in silico analysis. Since supporting evidence is limited at this time, the clinical significance of this alteration remains unclear.